The following is an entry in ClinVar:

NM_001854.4(COL11A1):c.990+6A>C

Gene: COL11A1 (collagen type XI alpha 1 chain; minus strand). Cytogenetic location: 1p21.1.
Variant type: single nucleotide variant.
Coding change: c.990+6A>C on transcript NM_001854.4 (MANE Select); 6 bases into the intron after coding-DNA position 990, A replaced by C.
Molecular consequence: intron variant.
Genome position (GRCh38, 1-based): chr1:103,025,515, T>G on the plus strand (A>C on the coding strand, the complement: COL11A1 is on the minus strand). VCF-style: chr1-103025515-T-G. GRCh37 (hg19) VCF-style: chr1-103491071-T-G.
Other names: c.873+6A>C (NM_001190709.2); c.1026+6A>C (NM_080629.3); c.897+701A>C (NM_080630.4).
Identifiers: ClinVar variation 4800449 (VCV004800449.1).
Genomic context (GRCh38, chr1:103,025,515, plus strand): 5'-GTATATCAAAATAAATTACATATTTAAAAAGTGGGACTGTGATTTAATACTGTCTATACG[T>G]ATTACCTCATTTGTCCCAGAAACATGCCTAGGAGCTTCTGTCTGGTAACTTTCCATTGTT-3'

ClinVar aggregate classification (germline): Uncertain significance (1 of 4 stars; one submission).

gnomAD v4.1: 6 of 1,589,458 alleles (0.00038%); highest among the groups gnomAD compares: Non-Finnish European, 0.00052%; no homozygotes.

Submission:

Labcorp Genetics (formerly Invitae), Labcorp
Classification: Uncertain significance. Last evaluated: 2025-03-06. Review status: criteria provided, single submitter. Criteria: Invitae Variant Classification Sherloc (09022015). Collection method: clinical testing. Allele origin: germline.
Comment: This sequence change falls in intron 7 of the COL11A1 gene. It does not directly change the encoded amino acid sequence of the COL11A1 protein. It affects a nucleotide within the consensus splice site. This variant is not present in population databases (gnomAD no frequency). This variant has not been reported in the literature in individuals affected with COL11A1-related conditions. Variants that disrupt the consensus splice site are a relatively common cause of aberrant splicing (PMID: 17576681, 9536098). Algorithms developed to predict the effect of sequence changes on RNA splicing suggest that this variant is not likely to affect RNA splicing. In summary, the available evidence is currently insufficient to determine the role of this variant in disease. Therefore, it has been classified as a Variant of Uncertain Significance.

Literature cited by the submitters: PubMed 17576681; PubMed 9536098.